The following is an entry in ClinVar:

NM_001042492.3(NF1):c.1100G>A (p.Gly367Asp)

Gene: NF1 (neurofibromin 1; plus strand). Cytogenetic location: 17q11.2.
Variant type: single nucleotide variant.
Coding change: c.1100G>A on transcript NM_001042492.3 (MANE Select); coding-DNA position 1100, G replaced by A.
Protein change: p.Gly367Asp; replaces glycine 367 with aspartic acid.
Molecular consequence: missense variant.
Genome position (GRCh38, 1-based): chr17:31,201,074, G>A. VCF-style: chr17-31201074-G-A. GRCh37 (hg19) VCF-style: chr17-29528092-G-A.
Other names: c.1100G>A, p.Gly367Asp (NM_000267.4, NM_001128147.3); short protein forms G367D.
Identifiers: ClinVar variation 1514542 (VCV001514542.7), dbSNP rs1361040414, ClinGen allele CA398996850.

ClinVar aggregate classification (germline): Uncertain significance. Review status: criteria provided, multiple submitters, no conflicts (2 of 4 stars). 2 submissions from 2 submitters: Uncertain significance (2). Last evaluated 2023-11-03.

Conditions:
Neurofibromatosis, type 1 (NF1). Also called: Neurofibromatosis, type I; Peripheral type neurofibromatosis; VON RECKLINGHAUSEN DISEASE; NEUROFIBROMATOSIS, TYPE I, SOMATIC. Identifiers: Orphanet 636, MedGen C0027831, MONDO:0018975, OMIM 162200. Disease mechanism: loss of function.
Juvenile myelomonocytic leukemia (JMML). Also called: LEUKEMIA, JUVENILE MYELOMONOCYTIC, SOMATIC. Identifiers: Orphanet 86834, MedGen C0349639, MONDO:0011908, OMIM 607785, HP:0012209.

Allele frequency attached by ClinVar (database versions not stated): gnomAD 0.00001; TOPMed 0.00001.
gnomAD v4.1: 2 of 1,613,870 alleles (0.00012%); highest among the groups gnomAD compares: Non-Finnish European, 0.00017%; no homozygotes.

Submissions (2):

Baylor Genetics
Classification: Uncertain significance for Juvenile myelomonocytic leukemia. Last evaluated: 2023-11-03. Review status: criteria provided, single submitter. Criteria: ACMG Guidelines, 2015. Collection method: clinical testing. Allele origin: unknown.

Labcorp Genetics (formerly Invitae), Labcorp
Classification: Uncertain significance for Neurofibromatosis, type 1. Last evaluated: 2021-09-06. Review status: criteria provided, single submitter. Criteria: Invitae Variant Classification Sherloc (09022015). Collection method: clinical testing. Allele origin: germline.
Comment: This sequence change replaces glycine with aspartic acid at codon 367 of the NF1 protein (p.Gly367Asp). The glycine residue is highly conserved and there is a moderate physicochemical difference between glycine and aspartic acid. This variant is not present in population databases (ExAC no frequency). This variant has not been reported in the literature in individuals affected with NF1-related conditions. Algorithms developed to predict the effect of missense changes on protein structure and function are either unavailable or do not agree on the potential impact of this missense change (SIFT: "Deleterious"; PolyPhen-2: "Probably Damaging"; Align-GVGD: "Class C0"). In summary, the available evidence is currently insufficient to determine the role of this variant in disease. Therefore, it has been classified as a Variant of Uncertain Significance.